The following is an entry in ClinVar:

ClinVar aggregate classification (germline): Uncertain significance (0 of 4 stars; one submission).

Conditions:
KIDINS220-related disorder. Also called: KIDINS220-related condition.

Submission:

PreventionGenetics, part of Exact Sciences
Classification: Uncertain significance for KIDINS220-related condition. Last evaluated: 2024-09-18. Review status: no assertion criteria provided. Collection method: clinical testing. Allele origin: germline.
Comment: The KIDINS220 c.1665T>A variant is predicted to result in the amino acid substitution p.Asn555Lys. To our knowledge, this variant has not been reported in the literature or in a large population database, indicating this variant is rare. At this time, the clinical significance of this variant is uncertain due to the absence of conclusive functional and genetic evidence.

NM_020738.4(KIDINS220):c.1665T>A (p.Asn555Lys)

Gene: KIDINS220 (kinase D interacting substrate 220; minus strand). Cytogenetic location: 2p25.1.
Variant type: single nucleotide variant.
Coding change: c.1665T>A on transcript NM_020738.4 (MANE Select); coding-DNA position 1665, T replaced by A.
Protein change: p.Asn555Lys; replaces asparagine 555 with lysine.
Molecular consequence: missense variant. On other transcripts: non-coding transcript variant (2).
Genome position (GRCh38, 1-based): chr2:8,788,769, A>T on the plus strand (T>A on the coding strand, the complement: KIDINS220 is on the minus strand). VCF-style: chr2-8788769-A-T. GRCh37 (hg19) VCF-style: chr2-8928899-A-T.
Other names: c.1668T>A, p.Asn556Lys (NM_001348729.2, NM_001348731.2, NM_001348734.2 and 3 more transcripts); c.1665T>A, p.Asn555Lys (NM_001348732.2, NM_001348735.2, NM_001348738.2 and 3 more transcripts); c.1539T>A, p.Asn513Lys (NM_001348736.2); short protein forms N513K, N555K, N556K.
Identifiers: ClinVar variation 3346703 (VCV003346703.1).